The following is an entry in ClinVar:

NM_000526.5(KRT14):c.1130T>G (p.Ile377Ser)

Gene: KRT14 (keratin 14; minus strand). Cytogenetic location: 17q21.2.
Variant type: single nucleotide variant.
Coding change: c.1130T>G on transcript NM_000526.5 (MANE Select); coding-DNA position 1130, T replaced by G.
Protein change: p.Ile377Ser; replaces isoleucine 377 with serine.
Molecular consequence: missense variant.
Genome position (GRCh38, 1-based): chr17:41,583,379, A>C on the plus strand (T>G on the coding strand, the complement: KRT14 is on the minus strand). VCF-style: chr17-41583379-A-C. GRCh37 (hg19) VCF-style: chr17-39739631-A-C.
Other names: short protein forms I377S.
Identifiers: ClinVar variation 2844050 (VCV002844050.3), dbSNP rs61536893, ClinGen allele CA399475815.

ClinVar aggregate classification (germline): Likely pathogenic (1 of 4 stars; one submission).

Submission:

Labcorp Genetics (formerly Invitae), Labcorp
Classification: Likely pathogenic. Last evaluated: 2024-06-26. Review status: criteria provided, single submitter. Criteria: Invitae Variant Classification Sherloc (09022015). Collection method: clinical testing. Allele origin: germline.
Comment: This sequence change replaces isoleucine, which is neutral and non-polar, with serine, which is neutral and polar, at codon 377 of the KRT14 protein (p.Ile377Ser). This variant is not present in population databases (gnomAD no frequency). This missense change has been observed in individual(s) with clinical features of autosomal dominant KRT14-related condition (Invitae). Advanced modeling of protein sequence and biophysical properties (such as structural, functional, and spatial information, amino acid conservation, physicochemical variation, residue mobility, and thermodynamic stability) performed at Invitae indicates that this missense variant is expected to disrupt KRT14 protein function with a positive predictive value of 80%. This variant disrupts the p.Ile377 amino acid residue in KRT14. Other variant(s) that disrupt this residue have been determined to be pathogenic (PMID: 17039244, 27283507, 32884918, 32885477). This suggests that this residue is clinically significant, and that variants that disrupt this residue are likely to be disease-causing. In summary, the currently available evidence indicates that the variant is pathogenic, but additional data are needed to prove that conclusively. Therefore, this variant has been classified as Likely Pathogenic.

Literature cited by the submitters: PubMed 17039244; PubMed 27283507; PubMed 32884918; PubMed 32885477.